The following is an entry in ClinVar:

ClinVar aggregate classification (germline): Uncertain significance (1 of 4 stars; one submission).

Conditions:
Hereditary cancer-predisposing syndrome. Also called: Hereditary Cancer Syndrome; Hereditary neoplastic syndrome; Neoplastic Syndromes, Hereditary; Tumor predisposition. Identifiers: Orphanet 140162, MedGen C0027672, MeSH D009386, MONDO:0015356.

Submission:

Sema4
Classification: Uncertain significance for Hereditary cancer-predisposing syndrome. Last evaluated: 2022-01-05. Review status: criteria provided, single submitter. Criteria: Sema4 Curation Guidelines. Collection method: curation. Allele origin: germline.
Comment: To the best of our knowledge, the SDHB c.530G>T (p.R177L) variant has not been reported in individuals with SDHB -related disease. This variant is not reported in the population database Genome Aggregation Database (PMID: 32461654). This variant has not been reported in ClinVar. In silico tools suggest the impact of the variant on protein function is deleterious, though these predictions have not been confirmed by functional studies. The evidence is insufficient to meet ACMG/AMP criteria for classifying the variant as benign or pathogenic. Thus, the clinical significance of this variant is currently uncertain.

NM_003000.3(SDHB):c.530G>T (p.Arg177Leu)

Gene: SDHB (succinate dehydrogenase complex iron sulfur subunit B; minus strand). Cytogenetic location: 1p36.13.
Variant type: single nucleotide variant.
Coding change: c.530G>T on transcript NM_003000.3 (MANE Select); coding-DNA position 530, G replaced by T.
Protein change: p.Arg177Leu; replaces arginine 177 with leucine.
Molecular consequence: missense variant.
Genome position (GRCh38, 1-based): chr1:17,027,759, C>A on the plus strand (G>T on the coding strand, the complement: SDHB is on the minus strand). VCF-style: chr1-17027759-C-A. GRCh37 (hg19) VCF-style: chr1-17354254-C-A.
Other names: short protein forms R177L.
Identifiers: ClinVar variation 1692737 (VCV001692737.1), dbSNP rs150437793, ClinGen allele CA338272456.
Genomic context (GRCh38, chr1:17,027,759, plus strand): 5'-ATCTTTGCAATAAATTCTTCAGATTGAAACAATAAATAGGGACTAATGACCAGTTTCTCA[C>A]GCTCTTCTATGGACTGCAGATACTGCTGCTTGCCTTCCTGAGATTCATCCTTCTTCTTCA-3'
Protein context (NP_002991.2, residues 167-187): KQQYLQSIEE[Arg177Leu]EKLDGLYECI